The following is an entry in ClinVar:

ClinVar aggregate classification (germline): Uncertain significance (1 of 4 stars; one submission).

Conditions:
CHARGE syndrome (CHARGE). Also called: Hittner Hirsch Kreh syndrome; Coloboma, heart anomaly, choanal atresia, retardation, genital and ear anomalies; CHARGE association; Hall-Hittner syndrome; CHARGE ASSOCIATION--COLOBOMA, HEART ANOMALY, CHOANAL ATRESIA, RETARDATION, GENITAL AND EAR ANOMALIES. Identifiers: Orphanet 138, MedGen C0265354, MONDO:0008965.

Allele frequency attached by ClinVar (database versions not stated): gnomAD exomes 0.00001.
gnomAD v4.1: 5 of 1,610,892 alleles (0.00031%); highest among the groups gnomAD compares: Admixed American, 0.0084%; no homozygotes.

Submission:

Labcorp Genetics (formerly Invitae), Labcorp
Classification: Uncertain significance for CHARGE syndrome. Last evaluated: 2025-11-05. Review status: criteria provided, single submitter. Criteria: Invitae Variant Classification Sherloc (09022015). Collection method: clinical testing. Allele origin: germline.
Comment: This sequence change replaces glutamic acid, which is acidic and polar, with glutamine, which is neutral and polar, at codon 159 of the SEMA3E protein (p.Glu159Gln). This variant is present in population databases (no rsID available, gnomAD 0.009%). This variant has not been reported in the literature in individuals affected with SEMA3E-related conditions. ClinVar contains an entry for this variant (Variation ID: 947791). Invitae Evidence Modeling of protein sequence and biophysical properties (such as structural, functional, and spatial information, amino acid conservation, physicochemical variation, residue mobility, and thermodynamic stability) indicates that this missense variant is not expected to disrupt SEMA3E protein function with a negative predictive value of 80%. In summary, the available evidence is currently insufficient to determine the role of this variant in disease. Therefore, it has been classified as a Variant of Uncertain Significance.

NM_012431.3(SEMA3E):c.475G>C (p.Glu159Gln)

Gene: SEMA3E (semaphorin 3E; minus strand). Cytogenetic location: 7q21.11.
Variant type: single nucleotide variant.
Coding change: c.475G>C on transcript NM_012431.3 (MANE Select); coding-DNA position 475, G replaced by C.
Protein change: p.Glu159Gln; replaces glutamic acid 159 with glutamine.
Molecular consequence: missense variant.
Genome position (GRCh38, 1-based): chr7:83,418,465, C>G on the plus strand (G>C on the coding strand, the complement: SEMA3E is on the minus strand). VCF-style: chr7-83418465-C-G. GRCh37 (hg19) VCF-style: chr7-83047781-C-G.
Other names: c.295G>C, p.Glu99Gln (NM_001178129.2); short protein forms E159Q, E99Q.
Identifiers: ClinVar variation 947791 (VCV000947791.9), dbSNP rs1241693530, ClinGen allele CA367934284.